The following is an entry in ClinVar:

ClinVar aggregate classification (germline): Pathogenic (1 of 4 stars; one submission).

Submission:

ISCA site 17
Classification: Pathogenic. Last evaluated: 2011-08-12. Review status: criteria provided, single submitter. Criteria: Kaminsky et al. (Genet Med. 2011). Collection method: clinical testing. Allele origin: unknown. Affected: yes. Observed: 1 variant allele.
Comment: Copy number variation identified through the course of routine clinical cytogenomic testing in postnatal populations. Clinical assertions have been curated as described in Kaminsky et al. 2011.

GRCh38/hg38 21q11.2-21.1(chr21:14127526-19238720)x1

Genes: MIR125B2 (microRNA 125b-2; plus strand), MIR548X (microRNA 548x; minus strand), MIR548XHG (MIR548X host gene; minus strand), MIR99A (microRNA 99a; plus strand), MIR99AHG (mir-99a-let-7c cluster host gene; plus strand) and 99 more. Cytogenetic location: 21q11.2-21.1.
Variant type: copy number loss.
Change: copy number 1 (one copy instead of two) of chr21:14,127,526-19,238,720 (5.11 Mb, GRCh38 coordinates, 1-based), cytogenetic band 21q11.2-21.1.
Identifiers: ClinVar variation 59007 (VCV000059007.1).